The following is an entry in ClinVar:

NM_000132.4(F8):c.5618C>T (p.Pro1873Leu)

Gene: F8 (coagulation factor VIII; minus strand). Cytogenetic location: Xq28.
Variant type: single nucleotide variant.
Coding change: c.5618C>T on transcript NM_000132.4 (MANE Select); coding-DNA position 5618, C replaced by T.
Protein change: p.Pro1873Leu; replaces proline 1873 with leucine.
Molecular consequence: missense variant.
Genome position (GRCh38, 1-based): chrX:154,904,493, G>A on the plus strand (C>T on the coding strand, the complement: F8 is on the minus strand). VCF-style: chrX-154904493-G-A. GRCh37 (hg19) VCF-style: chrX-154132768-G-A.
Other names: short protein forms P1873L.
Identifiers: ClinVar variation 4081662 (VCV004081662.1).

ClinVar aggregate classification (germline): Pathogenic (1 of 4 stars; one submission).

Conditions:
Hereditary factor VIII deficiency disease (HEMA). Also called: HEMOPHILIA, CLASSIC; AUTOSOMAL HEMOPHILIA A; Hemophilia A; Hemophilia A, congenital; HEM A; Factor 8 deficiency, congenital. Identifiers: Orphanet 98878, MedGen C0019069, MONDO:0010602, OMIM 306700.

gnomAD v4.1: 2 of 1,208,078 alleles (0.00017%); highest among the groups gnomAD compares: Non-Finnish European, 0.00022%; no homozygotes.

Submission:

Myriad Genetics, Inc.
Classification: Pathogenic for Hereditary factor VIII deficiency disease. Last evaluated: 2025-01-30. Review status: criteria provided, single submitter. Criteria: Myriad Autosomal Dominant, Autosomal Recessive and X-Linked Classification Criteria (2023). Collection method: clinical testing. Allele origin: unknown.
Comment: NM_000132.3(F8):c.5618C>T(P1873L) is a missense variant classified as pathogenic in the context of hemophilia A. P1873L has been observed in cases with relevant disease (PMID: 12871324, 16380445, 18184865, 18691168, 19473408, 23926300, 25139352). Relevant functional assessments of this variant are not available in the literature. P1873L has been observed in referenced population frequency databases. In summary, NM_000132.3(F8):c.5618C>T(P1873L) is a missense variant that has been observed more frequently in cases with the relevant disease than in healthy populations. Please note: this variant was assessed in the context of healthy population screening.

Literature cited by the submitters: PubMed 12871324; PubMed 16380445; PubMed 18184865; PubMed 18691168; PubMed 19473408; PubMed 23926300; PubMed 25139352.